The following is an entry in ClinVar:

NM_014727.3(KMT2B):c.133G>A (p.Val45Ile)

Genes: KMT2B (lysine methyltransferase 2B; plus strand), LOC130064258 (ATAC-STARR-seq lymphoblastoid silent region 10535; plus strand). Cytogenetic location: 19q13.12.
Variant type: single nucleotide variant.
Coding change: c.133G>A on transcript NM_014727.3 (MANE Select); coding-DNA position 133, G replaced by A.
Protein change: p.Val45Ile; replaces valine 45 with isoleucine.
Molecular consequence: missense variant.
Genome position (GRCh38, 1-based): chr19:35,718,151, G>A. VCF-style: chr19-35718151-G-A. GRCh37 (hg19) VCF-style: chr19-36209053-G-A.
Other names: c.133G>A (NM_014727.1); short protein forms V45I.
Identifiers: ClinVar variation 2851489 (VCV002851489.4), dbSNP rs1400971328, ClinGen allele CA405374709.

ClinVar aggregate classification (germline): Uncertain significance. Review status: criteria provided, multiple submitters, no conflicts (2 of 4 stars). 2 submissions from 2 submitters: Uncertain significance (2). Last evaluated 2025-03-17.

Conditions:
Inborn genetic diseases. Identifiers: MedGen C0950123, MeSH D030342.

Allele frequency attached by ClinVar (database versions not stated): gnomAD 0.00001.
gnomAD v4.1: 14 of 1,059,346 alleles (0.0013%); highest among the groups gnomAD compares: African/African-American, 0.0017%; no homozygotes.

Submissions (2):

Labcorp Genetics (formerly Invitae), Labcorp
Classification: Uncertain significance. Last evaluated: 2025-03-17. Review status: criteria provided, single submitter. Criteria: Invitae Variant Classification Sherloc (09022015). Collection method: clinical testing. Allele origin: germline.
Comment: This sequence change replaces valine, which is neutral and non-polar, with isoleucine, which is neutral and non-polar, at codon 45 of the KMT2B protein (p.Val45Ile). The frequency data for this variant in the population databases is considered unreliable, as metrics indicate insufficient coverage at this position in the gnomAD database. This variant has not been reported in the literature in individuals affected with KMT2B-related conditions. ClinVar contains an entry for this variant (Variation ID: 2851489). Invitae Evidence Modeling of protein sequence and biophysical properties (such as structural, functional, and spatial information, amino acid conservation, physicochemical variation, residue mobility, and thermodynamic stability) indicates that this missense variant is not expected to disrupt KMT2B protein function with a negative predictive value of 95%. In summary, the available evidence is currently insufficient to determine the role of this variant in disease. Therefore, it has been classified as a Variant of Uncertain Significance.

Ambry Genetics
Classification: Uncertain significance for Inborn genetic diseases. Last evaluated: 2024-07-16. Review status: criteria provided, single submitter. Criteria: Ambry Variant Classification Scheme 2023. Collection method: clinical testing. Allele origin: germline.